The following is an entry in ClinVar:

ClinVar aggregate classification (germline): Uncertain significance (1 of 4 stars; one submission).

Conditions:
Hereditary cancer-predisposing syndrome. Also called: Neoplastic Syndromes, Hereditary; Hereditary Cancer Syndrome; Hereditary neoplastic syndrome; Tumor predisposition. Identifiers: Orphanet 140162, MedGen C0027672, MeSH D009386, MONDO:0015356.

Submission:

Ambry Genetics
Classification: Uncertain significance for Hereditary cancer-predisposing syndrome. Last evaluated: 2023-05-15. Review status: criteria provided, single submitter. Criteria: Ambry Variant Classification Scheme 2023. Collection method: clinical testing. Allele origin: germline.
Comment: The c.1093_1101delCCATTAGAT variant (also known as p.P365_D367del) is located in coding exon 9 of the BRCA2 gene. This variant results from an in-frame CCATTAGAT deletion at nucleotide positions 1093 to 1101. This results in the in-frame deletion of three amino acids at codon 365 to 367. This amino acid region is not well conserved in available vertebrate species. In addition, this alteration is predicted to be deleterious by in silico analysis (Choi Y et al. PLoS ONE. 2012; 7(10):e46688). Since supporting evidence is limited at this time, the clinical significance of this alteration remains unclear.

NM_000059.4(BRCA2):c.1093_1101del (p.Pro365_Asp367del)

Gene: BRCA2 (BRCA2 DNA repair associated; plus strand). Cytogenetic location: 13q13.1.
Variant type: Deletion.
Coding change: c.1093_1101del on transcript NM_000059.4 (MANE Select); coding-DNA positions 1093 to 1101, 9 bases deleted (CCATTAGAT; older notation c.1093_1101delCCATTAGAT).
Protein change: p.Pro365_Asp367del.
Molecular consequence: inframe deletion. On other transcripts: non-coding transcript variant (1), intron variant (1).
Genome position (GRCh38, 1-based): chr13:32,332,571-32,332,579, CCATTAGAT deleted; deleting any 9 consecutive bases within chr13:32,332,568-32,332,579 gives the same sequence; the c. name uses the placement nearest the transcript's 3' end. VCF-style (leftmost placement, unchanged base first): chr13-32332567-TGATCCATTA-T. GRCh37 (hg19) VCF-style: chr13-32906704-TGATCCATTA-T.
Other names: c.1093_1101del, p.Pro365_Asp367del (NM_001406721.1, NM_001406719.1, NM_001406720.1); c.424+1541_424+1549del (NM_001406722.1).
Identifiers: ClinVar variation 2566008 (VCV002566008.2), dbSNP rs2548519518, ClinGen allele CA2580614648.
Genomic context (GRCh38, chr13:32,332,567, plus strand): 5'-ATCTAAAAACCAAGTGAAAGAAAAATACTCATTTGTATCTGAAGTGGAACCAAATGATAC[TGATCCATTA>T]GATTCAAATGTAGCAAATCAGAAGCCCTTTGAGAGTGGAAGTGACAAAATCTCCAAGGAA-3'